The following is an entry in ClinVar:

ClinVar aggregate classification (germline): Uncertain significance (1 of 4 stars; one submission).

Submission:

Labcorp Genetics (formerly Invitae), Labcorp
Classification: Uncertain significance. Last evaluated: 2024-03-02. Review status: criteria provided, single submitter. Criteria: Invitae Variant Classification Sherloc (09022015). Collection method: clinical testing. Allele origin: germline.
Comment: This sequence change replaces methionine, which is neutral and non-polar, with threonine, which is neutral and polar, at codon 400 of the NXN protein (p.Met400Thr). This variant is present in population databases (no rsID available, gnomAD 0.007%). This variant has not been reported in the literature in individuals affected with NXN-related conditions. An algorithm developed to predict the effect of missense changes on protein structure and function (PolyPhen-2) suggests that this variant is likely to be disruptive. In summary, the available evidence is currently insufficient to determine the role of this variant in disease. Therefore, it has been classified as a Variant of Uncertain Significance.

NM_022463.5(NXN):c.1199T>C (p.Met400Thr)

Gene: NXN (nucleoredoxin; minus strand). Cytogenetic location: 17p13.3.
Variant type: single nucleotide variant.
Coding change: c.1199T>C on transcript NM_022463.5 (MANE Select); coding-DNA position 1199, T replaced by C.
Protein change: p.Met400Thr; replaces methionine 400 with threonine.
Molecular consequence: missense variant.
Genome position (GRCh38, 1-based): chr17:801,058, A>G on the plus strand (T>C on the coding strand, the complement: NXN is on the minus strand). VCF-style: chr17-801058-A-G. GRCh37 (hg19) VCF-style: chr17-704298-A-G.
Other names: c.875T>C, p.Met292Thr (NM_001205319.1); short protein forms M400T, M292T.
Identifiers: ClinVar variation 3718480 (VCV003718480.2).